The following is an entry in ClinVar:

NM_130839.5(UBE3A):c.2237T>A (p.Leu746Ter)

Genes: SNHG14 (small nucleolar RNA host gene 14; plus strand), UBE3A (ubiquitin protein ligase E3A; minus strand). Cytogenetic location: 15q11.2.
Variant type: single nucleotide variant.
Coding change: c.2237T>A on transcript NM_130839.5 (MANE Select); coding-DNA position 2237, T replaced by A.
Protein change: p.Leu746Ter; replaces leucine 746 with a stop codon.
Molecular consequence: nonsense. On other transcripts: non-coding transcript variant (1), intron variant (3).
Genome position (GRCh38, 1-based): chr15:25,354,571, A>T on the plus strand (T>A on the coding strand, the complement: UBE3A is on the minus strand). VCF-style: chr15-25354571-A-T. GRCh37 (hg19) VCF-style: chr15-25599718-A-T.
Other names: c.2246T>A, p.Leu749Ter (NM_000462.5); c.2237T>A, p.Leu746Ter (NM_001354505.1, NM_001354538.2); c.2177T>A, p.Leu726Ter (NM_001354506.2, NM_001354507.2, NM_001354508.2 and 14 more transcripts); c.2060T>A, p.Leu687Ter (NM_001354546.2); c.2012T>A, p.Leu671Ter (NM_001354549.2); c.986T>A, p.Leu329Ter (NM_001354550.2); c.926T>A, p.Leu309Ter (NM_001354551.2); c.2065-145T>A (NM_001354548.2, NM_001354547.2); and 1 more; short protein forms L726*, L329*, L671*, L749*, L309*, L687*, L746*.
Identifiers: ClinVar variation 155968 (VCV000155968.1), dbSNP rs587781217, ClinGen allele CA333339.

ClinVar aggregate classification (germline): Pathogenic (0 of 4 stars; one submission).

Conditions:
Angelman syndrome (AS). Also called: HAPPY PUPPET SYNDROME. Identifiers: Orphanet 72, MedGen C0162635, MONDO:0007113, OMIM 105830. Disease mechanism: loss of function. Inheritance: AS is caused by disruption of maternally imprinted UBE3A located within the 15q11.2-q13 Angelman syndrome/Prader-Willi syndrome (AS/PWS) region., imprinting disorder.

Submission:

Baylor Genetics
Classification: Pathogenic for Angelman Syndrome. Last evaluated: 2014-02-14. Review status: no assertion criteria provided. Collection method: clinical testing. Allele origin: germline. Affected: yes. Observed: 1 variant allele. Study: UBE3A Mutation Study.
Comment: Data collected from clinical UBE3A sequence analysis results

Literature cited by the submitters: PubMed 25212744.